The following is an entry in ClinVar:

ClinVar aggregate classification (germline): Uncertain significance (1 of 4 stars; one submission).

Conditions:
Kabuki syndrome 2 (KABUK2). Also called: KDM6A-Related Kabuki Syndrome. Identifiers: Orphanet 2322, MedGen C3275495, MONDO:0010465, OMIM 300867.

gnomAD v4.1: 1 of 1,145,549 alleles (0.000087%); no homozygotes.

Submission:

Labcorp Genetics (formerly Invitae), Labcorp
Classification: Uncertain significance for Kabuki syndrome 2. Last evaluated: 2025-03-11. Review status: criteria provided, single submitter. Criteria: Invitae Variant Classification Sherloc (09022015). Collection method: clinical testing. Allele origin: germline.
Comment: This sequence change replaces histidine, which is basic and polar, with arginine, which is basic and polar, at codon 508 of the KDM6A protein (p.His508Arg). This variant is present in population databases (no rsID available, gnomAD no frequency). This variant has not been reported in the literature in individuals affected with KDM6A-related conditions. Invitae Evidence Modeling of protein sequence and biophysical properties (such as structural, functional, and spatial information, amino acid conservation, physicochemical variation, residue mobility, and thermodynamic stability) indicates that this missense variant is not expected to disrupt KDM6A protein function with a negative predictive value of 80%. In summary, the available evidence is currently insufficient to determine the role of this variant in disease. Therefore, it has been classified as a Variant of Uncertain Significance.

NM_001291415.2(KDM6A):c.1679A>G (p.His560Arg)

Gene: KDM6A (lysine demethylase 6A; plus strand). Cytogenetic location: Xp11.3.
Variant type: single nucleotide variant.
Coding change: c.1679A>G on transcript NM_001291415.2 (MANE Select); coding-DNA position 1679, A replaced by G.
Protein change: p.His560Arg; replaces histidine 560 with arginine.
Molecular consequence: missense variant. On other transcripts: intron variant (6).
Genome position (GRCh38, 1-based): chrX:45,062,744, A>G. VCF-style: chrX-45062744-A-G. GRCh37 (hg19) VCF-style: chrX-44921989-A-G.
Other names: c.1544A>G, p.His515Arg (NM_001291416.2, NM_001419811.1); c.1388A>G, p.His463Arg (NM_001291417.2); c.635A>G, p.His212Arg (NM_001291421.2); c.1679A>G, p.His560Arg (NM_001419809.1); c.1523A>G, p.His508Arg (NM_001419812.1, NM_021140.4); c.1582-678A>G (NM_001419810.1, NM_001419813.1); c.1426-678A>G (NM_001419814.1, NM_001410742.1); c.1291-678A>G (NM_001419815.1, NM_001291418.2); short protein forms H212R, H463R, H508R, H515R, H560R.
Identifiers: ClinVar variation 4803619 (VCV004803619.1).